The following is an entry in ClinVar:

ClinVar aggregate classification (germline): Uncertain significance (1 of 4 stars; one submission).

Conditions:
Dihydropyrimidine dehydrogenase deficiency (DPYDD). Also called: DPD DEFICIENCY; DPYD DEFICIENCY; Hereditary Thymine-Uraciluria. Identifiers: Orphanet 1675, MedGen C1959620, MONDO:0010130, OMIM 274270.

Submission:

Myriad Genetics, Inc.
Classification: Uncertain significance for Dihydropyrimidine dehydrogenase deficiency. Last evaluated: 2026-03-26. Review status: criteria provided, single submitter. Criteria: Myriad Autosomal Dominant, Autosomal Recessive and X-Linked Classification Criteria (2023). Collection method: clinical testing. Allele origin: unknown.
Comment: NM_000110.3(DPYD):c.1525-2A>T is a variant in a canonical splice site classified as a variant of uncertain significance in the context of dihydropyrimidine dehydrogenase deficiency. c.1525-2A>T has not been observed in cases with relevant disease. Relevant functional assessments of this variant are not available in the literature. c.1525-2A>T has not been observed in referenced population frequency databases. In summary, there is insufficient evidence to classify NM_000110.3(DPYD):c.1525-2A>T as pathogenic or benign. Please note: this variant was assessed in the context of healthy population screening.

NM_000110.4(DPYD):c.1525-2A>T

Gene: DPYD (dihydropyrimidine dehydrogenase; minus strand). Cytogenetic location: 1p21.3.
Variant type: single nucleotide variant.
Coding change: c.1525-2A>T on transcript NM_000110.4 (MANE Select); the canonical splice acceptor site of the intron before coding-DNA position 1525, A replaced by T.
Molecular consequence: splice acceptor variant.
Genome position (GRCh38, 1-based): chr1:97,515,943, T>A on the plus strand (A>T on the coding strand, the complement: DPYD is on the minus strand). VCF-style: chr1-97515943-T-A. GRCh37 (hg19) VCF-style: chr1-97981499-T-A.
Identifiers: ClinVar variation 5003597 (VCV005003597.1).